The following is an entry in ClinVar:

ClinVar aggregate classification (germline): Uncertain significance. Review status: criteria provided, multiple submitters, no conflicts (2 of 4 stars). 2 submissions from 2 submitters: Uncertain significance (2). Last evaluated 2025-07-03.

Allele frequency attached by ClinVar (database versions not stated): ExAC 0.00002; TOPMed 0.00003; gnomAD 0.00006; gnomAD exomes 0.00011.
gnomAD v4.1: 158 of 1,608,264 alleles (0.0098%); highest among the groups gnomAD compares: Non-Finnish European, 0.012%; no homozygotes.

Submissions (2):

Ambry Genetics
Classification: Uncertain significance. Last evaluated: 2025-07-03. Review status: criteria provided, single submitter. Criteria: Ambry Variant Classification Scheme 2023. Collection method: clinical testing. Allele origin: germline.

Labcorp Genetics (formerly Invitae), Labcorp
Classification: Uncertain significance. Last evaluated: 2024-01-15. Review status: criteria provided, single submitter. Criteria: Invitae Variant Classification Sherloc (09022015). Collection method: clinical testing. Allele origin: germline.
Comment: This sequence change replaces serine, which is neutral and polar, with asparagine, which is neutral and polar, at codon 177 of the IFT57 protein (p.Ser177Asn). This variant is present in population databases (rs751839124, gnomAD 0.008%). This variant has not been reported in the literature in individuals affected with IFT57-related conditions. ClinVar contains an entry for this variant (Variation ID: 2458709). An algorithm developed to predict the effect of missense changes on protein structure and function (PolyPhen-2) suggests that this variant is likely to be tolerated. In summary, the available evidence is currently insufficient to determine the role of this variant in disease. Therefore, it has been classified as a Variant of Uncertain Significance.

NM_018010.4(IFT57):c.530G>A (p.Ser177Asn)

Gene: IFT57 (intraflagellar transport 57; minus strand). Cytogenetic location: 3q13.13.
Variant type: single nucleotide variant.
Coding change: c.530G>A on transcript NM_018010.4 (MANE Select); coding-DNA position 530, G replaced by A.
Protein change: p.Ser177Asn; replaces serine 177 with asparagine.
Molecular consequence: missense variant.
Genome position (GRCh38, 1-based): chr3:108,213,986, C>T on the plus strand (G>A on the coding strand, the complement: IFT57 is on the minus strand). VCF-style: chr3-108213986-C-T. GRCh37 (hg19) VCF-style: chr3-107932833-C-T.
Other names: short protein forms S177N.
Identifiers: ClinVar variation 2458709 (VCV002458709.6), dbSNP rs751839124, ClinGen allele CA2526676.
Genomic context (GRCh38, chr3:108,213,986, plus strand): 5'-CATACCACAAATTCTTCATCCACTTTATTTAATGTTAATTCTGCATCATCTTCTGCAACG[C>T]TTTCTTCTTCTAATTCTTCTACTGGGTATATTGGCCTAAAATAATAAGATTAAACATGAG-3'
Protein context (NP_060480.1, residues 167-187): IYPVEELEEE[Ser177Asn]VAEDDAELTL